The following is an entry in ClinVar:

ClinVar aggregate classification (germline): Benign. Review status: criteria provided, multiple submitters, no conflicts (2 of 4 stars). 3 submissions from 3 submitters: Benign (2). 1 of the submissions does not count toward it. Last evaluated 2018-11-20.

Conditions:
CSMD3-related disorder. Also called: CSMD3-related condition.

Allele frequency attached by ClinVar (database versions not stated): gnomAD exomes 0.00301 and 0.00773; ExAC 0.00928; gnomAD 0.02911 and 0.03122; ESP Exome Variant Server 0.02976; 1000 Genomes Project 0.03115; TOPMed 0.03268; 1000 Genomes Project 30x 0.03326.
gnomAD v4.1: 9,020 of 1,594,416 alleles (0.57%); highest among the groups gnomAD compares: African/African-American, 10%; 427 homozygotes.

Submissions (3):

Labcorp Genetics (formerly Invitae), Labcorp
Classification: Benign. Last evaluated: 2018-11-20. Review status: criteria provided, single submitter. Criteria: Invitae Variant Classification Sherloc (09022015). Collection method: clinical testing. Allele origin: germline.

Breakthrough Genomics
Classification: Benign. Review status: criteria provided, single submitter. Criteria: ACMG Guidelines, 2015. Collection method: not provided. Allele origin: germline. Inheritance: Unknown mechanism. Affected: yes.

PreventionGenetics, part of Exact Sciences
Classification: Benign for CSMD3-related condition. Last evaluated: 2019-02-21. Review status: no assertion criteria provided. Collection method: clinical testing. Allele origin: germline. Not counted in ClinVar's aggregate classification.
Comment: This variant is classified as benign based on ACMG/AMP sequence variant interpretation guidelines (Richards et al. 2015 PMID: 25741868, with internal and published modifications).

NM_198123.2(CSMD3):c.2934T>C (p.Ser978=)

Gene: CSMD3 (CUB and Sushi multiple domains 3; minus strand). Cytogenetic location: 8q23.3.
Variant type: single nucleotide variant.
Coding change: c.2934T>C on transcript NM_198123.2 (MANE Select); coding-DNA position 2934, T replaced by C.
Protein change: p.Ser978=; no amino-acid change (serine 978 retained).
Molecular consequence: synonymous variant.
Genome position (GRCh38, 1-based): chr8:112,656,224, A>G on the plus strand (T>C on the coding strand, the complement: CSMD3 is on the minus strand). VCF-style: chr8-112656224-A-G. GRCh37 (hg19) VCF-style: chr8-113668453-A-G.
Other names: c.2544T>C, p.Ser848= (NM_001363185.1); c.2622T>C, p.Ser874= (NM_052900.3); c.2814T>C, p.Ser938= (NM_198124.2).
Identifiers: ClinVar variation 772906 (VCV000772906.6), dbSNP rs11992014, ClinGen allele CA4850569.
Genomic context (GRCh38, chr8:112,656,224, plus strand): 5'-AATCTTGAAACCATTATTGGAACGACTGTTGTCTGTTGTAAATAGAAGGTATATAAAATT[A>G]CTGCTACTAAATAGAAACTGGGGCACTTGGGTGCCATTGTAAGATCCAAGCAAGGGTGAC-3'
Protein context (NP_937756.1, residues 968-988): TQVPQFLFSS[Ser978=]NFIYLLFTTD